The following is an entry in ClinVar:

ClinVar aggregate classification (germline): Uncertain significance (0 of 4 stars; one submission).

Conditions:
POLRMT-related disorder. Also called: POLRMT-related condition.

Submission:

PreventionGenetics, part of Exact Sciences
Classification: Uncertain significance for POLRMT-related condition. Last evaluated: 2024-02-07. Review status: no assertion criteria provided. Collection method: clinical testing. Allele origin: germline.
Comment: The POLRMT c.1802G>A variant is predicted to result in the amino acid substitution p.Arg601Gln. To our knowledge, this variant has not been reported in the literature or in a large population database, indicating this variant is rare. At this time, the clinical significance of this variant is uncertain due to the absence of conclusive functional and genetic evidence.

NM_005035.4(POLRMT):c.1802G>A (p.Arg601Gln)

Gene: POLRMT (RNA polymerase mitochondrial; minus strand). Cytogenetic location: 19p13.3.
Variant type: single nucleotide variant.
Coding change: c.1802G>A on transcript NM_005035.4 (MANE Select); coding-DNA position 1802, G replaced by A.
Protein change: p.Arg601Gln; replaces arginine 601 with glutamine.
Molecular consequence: missense variant. On other transcripts: non-coding transcript variant (1), intron variant (2).
Genome position (GRCh38, 1-based): chr19:622,198, C>T on the plus strand (G>A on the coding strand, the complement: POLRMT is on the minus strand). VCF-style: chr19-622198-C-T. GRCh37 (hg19) VCF-style: chr19-622198-C-T.
Other names: c.1802G>A, p.Arg601Gln (NM_001407805.1, NM_001407808.1, NM_001407812.1 and 4 more transcripts); c.1793G>A, p.Arg598Gln (NM_001407806.1, NM_001407809.1); c.1790G>A, p.Arg597Gln (NM_001407807.1, NM_001407810.1); c.1760G>A, p.Arg587Gln (NM_001407811.1, NM_001407813.1); c.1478G>A, p.Arg493Gln (NM_001407831.1, NM_001407833.1, NM_001407835.1 and 1 more transcripts); c.1469G>A, p.Arg490Gln (NM_001407834.1); c.1627-352G>A (NM_001407832.1, NM_001407830.1); short protein forms R490Q, R493Q, R587Q, R597Q, R598Q, R601Q.
Identifiers: ClinVar variation 3050341 (VCV003050341.2), dbSNP rs2512510352, ClinGen allele CA402901578.